The following is an entry in ClinVar:

NM_000059.4(BRCA2):c.1667del (p.Asn556fs)

Gene: BRCA2 (BRCA2 DNA repair associated; plus strand). Cytogenetic location: 13q13.1.
Variant type: Deletion.
Coding change: c.1667del on transcript NM_000059.4 (MANE Select); coding-DNA position 1667, one base deleted (A; older notation c.1667delA).
Protein change: p.Asn556fs; shifts the reading frame from asparagine 556.
Molecular consequence: frameshift variant.
Genome position (GRCh38, 1-based): chr13:32,333,145, A deleted; the last of 3 consecutive A bases (chr13:32,333,143-32,333,145); deleting any one gives the same sequence. VCF-style (leftmost placement, unchanged base first): chr13-32333142-CA-C. GRCh37 (hg19) VCF-style: chr13-32907279-CA-C.
Other names: 1895delA; c.1667delA (NM_000059.3); short protein forms N556fs.
Identifiers: ClinVar variation 252812 (VCV000252812.2), dbSNP rs879255437, ClinGen allele CA10586051.
Genomic context (GRCh38, chr13:32,333,142, plus strand): 5'-CCTCTGAAAGTGGACTGGAAATACATACTGTTTGCTCACAGAAGGAGGACTCCTTATGTC[CA>C]AATTTAATTGATAATGGAAGCTGGCCAGCCACCACCACACAGAATTCTGTAGCTTTGAAG-3'

ClinVar aggregate classification (germline): Pathogenic. Review status: reviewed by expert panel (3 of 4 stars). 2 submissions from 2 submitters: Pathogenic (1). 1 of the submissions does not count toward it. Last evaluated 2017-12-15.

Conditions:
Breast-ovarian cancer, familial, susceptibility to, 2 (BROVCA2). Also called: BRCA2 Hereditary Breast and Ovarian Cancer. Identifiers: Orphanet 145, MedGen C2675520, MONDO:0012933, OMIM 612555. Disease mechanism: loss of function.

Submissions (2):

Evidence-based Network for the Interpretation of Germline Mutant Alleles (ENIGMA)
Classification: Pathogenic for Breast-ovarian cancer, familial, susceptibility to, 2. Last evaluated: 2017-12-15. Review status: reviewed by expert panel. Criteria: ENIGMA BRCA1/2 Classification Criteria (2017-06-29). Collection method: curation. Allele origin: germline. Study: ENIGMA.
Comment: Variant allele predicted to encode a truncated non-functional protein.

Sharing Clinical Reports Project (SCRP)
Classification: Pathogenic for Breast-ovarian cancer, familial 2. Last evaluated: 2010-01-21. Review status: no assertion criteria provided. Collection method: clinical testing. Allele origin: germline. Not counted in ClinVar's aggregate classification.